The following is an entry in ClinVar:

ClinVar aggregate classification (germline): Likely benign (1 of 4 stars; one submission).

Allele frequency attached by ClinVar (database versions not stated): ExAC 0.00052; 1000 Genomes Project 30x 0.00172; 1000 Genomes Project 0.00180.
gnomAD v4.1: 370 of 1,549,530 alleles (0.024%); highest among the groups gnomAD compares: African/African-American, 0.39%; no homozygotes.

Submission:

CeGaT Center for Human Genetics Tuebingen
Classification: Likely benign. Last evaluated: 2022-04-01. Review status: criteria provided, single submitter. Criteria: CeGaT Center For Human Genetics Tuebingen Variant Classification Criteria Version 2. Collection method: clinical testing. Allele origin: germline. Affected: yes. Observed: 1 variant allele.
Comment: PLEKHG6: BP4, BP7

NM_001384598.1(PLEKHG6):c.139-467C>T

Gene: PLEKHG6 (pleckstrin homology and RhoGEF domain containing G6; plus strand). Cytogenetic location: 12p13.31.
Variant type: single nucleotide variant.
Coding change: c.139-467C>T on transcript NM_001384598.1 (MANE Select); 467 bases into the intron before coding-DNA position 139, C replaced by T.
Molecular consequence: intron variant. On other transcripts: 5 prime UTR variant (1).
Genome position (GRCh38, 1-based): chr12:6,313,162, C>T. VCF-style: chr12-6313162-C-T. GRCh37 (hg19) VCF-style: chr12-6422328-C-T.
Other names: c.-229C>T (NM_001144857.2); c.139-467C>T (NM_018173.4, NM_001384604.1, NM_001384599.1 and 3 more transcripts); c.117-511C>T (NM_001384600.1, NM_001384603.1).
Identifiers: ClinVar variation 2642610 (VCV002642610.24), dbSNP rs567842070, ClinGen allele CA6404417.